The following is an entry in ClinVar:

ClinVar aggregate classification (germline): Pathogenic (1 of 4 stars; one submission).

Conditions:
Glycogen storage disease type III (GSD3). Also called: Cori disease; FORBES DISEASE. Identifiers: Orphanet 366, MedGen C0017922, MONDO:0009291, OMIM 232400.

Submission:

Labcorp Genetics (formerly Invitae), Labcorp
Classification: Pathogenic for Glycogen storage disease type III. Last evaluated: 2020-12-31. Review status: criteria provided, single submitter. Criteria: Invitae Variant Classification Sherloc (09022015). Collection method: clinical testing. Allele origin: germline.
Comment: For these reasons, this variant has been classified as Pathogenic. This variant has not been reported in the literature in individuals with AGL-related conditions. This variant is not present in population databases (ExAC no frequency). This sequence change creates a premature translational stop signal (p.Glu1233*) in the AGL gene. It is expected to result in an absent or disrupted protein product. Loss-of-function variants in AGL are known to be pathogenic (PMID: 19299494).

Literature cited by the submitters: PubMed 19299494.

NM_000642.3(AGL):c.3697G>T (p.Glu1233Ter)

Gene: AGL (amylo-alpha-1,6-glucosidase and 4-alpha-glucanotransferase; plus strand). Cytogenetic location: 1p21.2.
Variant type: single nucleotide variant.
Coding change: c.3697G>T on transcript NM_000642.3 (MANE Select); coding-DNA position 3697, G replaced by T.
Protein change: p.Glu1233Ter; replaces glutamic acid 1233 with a stop codon.
Molecular consequence: nonsense.
Genome position (GRCh38, 1-based): chr1:99,902,791, G>T. VCF-style: chr1-99902791-G-T. GRCh37 (hg19) VCF-style: chr1-100368347-G-T.
Other names: c.3697G>T, p.Glu1233Ter (NM_000028.3, NM_000643.3, NM_000644.3 and 1 more transcripts); c.3649G>T, p.Glu1217Ter (NM_000646.3); c.3676G>T, p.Glu1226Ter (NM_001425326.1); c.3496G>T, p.Glu1166Ter (NM_001425327.1); c.3493G>T, p.Glu1165Ter (NM_001425328.1); c.3358G>T, p.Glu1120Ter (NM_001425329.1); c.3319G>T, p.Glu1107Ter (NM_001425332.1); short protein forms E1217*, E1233*, E1107*, E1120*, E1165*, E1166*, E1226*.
Identifiers: ClinVar variation 1460168 (VCV001460168.6), dbSNP rs375254875, ClinGen allele CA341335353.